The following is an entry in ClinVar:

ClinVar aggregate classification (germline): Uncertain significance. Review status: criteria provided, multiple submitters, no conflicts (2 of 4 stars). 2 submissions from 2 submitters: Uncertain significance (2). Last evaluated 2025-09-28.

Allele frequency attached by ClinVar (database versions not stated): TOPMed 0.00001; ExAC 0.00002.

Submissions (2):

Ambry Genetics
Classification: Uncertain significance. Last evaluated: 2025-09-28. Review status: criteria provided, single submitter. Criteria: Ambry Variant Classification Scheme 2023. Collection method: clinical testing. Allele origin: germline.

Labcorp Genetics (formerly Invitae), Labcorp
Classification: Uncertain significance. Last evaluated: 2025-05-27. Review status: criteria provided, single submitter. Criteria: Invitae Variant Classification Sherloc (09022015). Collection method: clinical testing. Allele origin: germline.
Comment: This sequence change replaces serine, which is neutral and polar, with asparagine, which is neutral and polar, at codon 498 of the SEMA4A protein (p.Ser498Asn). This variant is not present in population databases (gnomAD no frequency). This variant has not been reported in the literature in individuals affected with SEMA4A-related conditions. ClinVar contains an entry for this variant (Variation ID: 1928670). Invitae Evidence Modeling of protein sequence and biophysical properties (such as structural, functional, and spatial information, amino acid conservation, physicochemical variation, residue mobility, and thermodynamic stability) indicates that this missense variant is not expected to disrupt SEMA4A protein function with a negative predictive value of 80%. In summary, the available evidence is currently insufficient to determine the role of this variant in disease. Therefore, it has been classified as a Variant of Uncertain Significance.

NM_022367.4(SEMA4A):c.1493G>A (p.Ser498Asn)

Gene: SEMA4A (semaphorin 4A; plus strand). Cytogenetic location: 1q22.
Variant type: single nucleotide variant.
Coding change: c.1493G>A on transcript NM_022367.4 (MANE Select); coding-DNA position 1493, G replaced by A.
Protein change: p.Ser498Asn; replaces serine 498 with asparagine.
Molecular consequence: missense variant.
Genome position (GRCh38, 1-based): chr1:156,175,144, G>A. VCF-style: chr1-156175144-G-A. GRCh37 (hg19) VCF-style: chr1-156144935-G-A.
Other names: c.1493G>A (NM_022367.3); c.1493G>A, p.Ser498Asn (NM_001193300.2, NM_001193301.2, NM_001370567.1); c.1097G>A, p.Ser366Asn (NM_001193302.2); c.1196G>A, p.Ser399Asn (NM_001370568.1); c.986G>A, p.Ser329Asn (NM_001370569.1, NM_001370571.1); short protein forms S329N, S498N, S366N, S399N.
Identifiers: ClinVar variation 1928670 (VCV001928670.6), dbSNP rs781489164, ClinGen allele CA1155384.